The following is an entry in ClinVar:

ClinVar aggregate classification (germline): Uncertain significance. Review status: criteria provided, multiple submitters, no conflicts (2 of 4 stars). 2 submissions from 2 submitters: Uncertain significance (2). Last evaluated 2025-03-02.

Conditions:
RYR1-related disorder. Also called: RYR1-related disorders; RYR1-related condition. Identifiers: MedGen CN239331.

Allele frequency attached by ClinVar (database versions not stated): gnomAD exomes 0.00001 and 0.00003; TOPMed 0.00001.
gnomAD v4.1: 42 of 1,614,166 alleles (0.0026%); highest among the groups gnomAD compares: Non-Finnish European, 0.0031%; no homozygotes.

Submissions (2):

Labcorp Genetics (formerly Invitae), Labcorp
Classification: Uncertain significance for RYR1-related disorder. Last evaluated: 2025-03-02. Review status: criteria provided, single submitter. Criteria: Invitae Variant Classification Sherloc (09022015). Collection method: clinical testing. Allele origin: germline.
Comment: This sequence change replaces lysine, which is basic and polar, with arginine, which is basic and polar, at codon 4511 of the RYR1 protein (p.Lys4511Arg). This variant is present in population databases (no rsID available, gnomAD 0.007%). This missense change has been observed in individual(s) with RYR1-related conditions (PMID: 32236737). ClinVar contains an entry for this variant (Variation ID: 590433). Invitae Evidence Modeling of protein sequence and biophysical properties (such as structural, functional, and spatial information, amino acid conservation, physicochemical variation, residue mobility, and thermodynamic stability) indicates that this missense variant is not expected to disrupt RYR1 protein function with a negative predictive value of 80%. In summary, the available evidence is currently insufficient to determine the role of this variant in disease. Therefore, it has been classified as a Variant of Uncertain Significance.

PreventionGenetics, part of Exact Sciences
Classification: Uncertain significance. Last evaluated: 2016-02-12. Review status: criteria provided, single submitter. Criteria: ACMG Guidelines, 2015. Collection method: clinical testing. Allele origin: germline.

Literature cited by the submitters: PubMed 32236737 (cited by Labcorp Genetics (formerly Invitae), Labcorp).

NM_000540.3(RYR1):c.13532A>G (p.Lys4511Arg)

Gene: RYR1 (ryanodine receptor 1; plus strand). Cytogenetic location: 19q13.2.
Variant type: single nucleotide variant.
Coding change: c.13532A>G on transcript NM_000540.3 (MANE Select); coding-DNA position 13532, A replaced by G.
Protein change: p.Lys4511Arg; replaces lysine 4511 with arginine.
Molecular consequence: missense variant.
Genome position (GRCh38, 1-based): chr19:38,567,790, A>G. VCF-style: chr19-38567790-A-G. GRCh37 (hg19) VCF-style: chr19-39058430-A-G.
Other names: c.13517A>G, p.Lys4506Arg (NM_001042723.2); short protein forms K4511R, K4506R.
Identifiers: ClinVar variation 590433 (VCV000590433.9), dbSNP rs923603327, ClinGen allele CA308111285.
Genomic context (GRCh38, chr19:38,567,790, plus strand): 5'-CCTGCCCAGGCACCTCCTGACCTCTCTCTGTCCTGCCCTGCAGTGCCGAGAATGGGGAGA[A>G]GGAAGAAGTTCCCGAGCCCACACCAGAGCCCCCCAAGAAGCAAGCACCTCCCTCACCCCC-3'
Protein context (NP_000531.2, residues 4501-4521): PEKADAENGE[Lys4511Arg]EEVPEPTPEP